The following is an entry in ClinVar:

ClinVar aggregate classification (germline): Uncertain significance (1 of 4 stars; one submission).

Conditions:
Autosomal recessive nonsyndromic hearing loss 84A. Also called: DEAFNESS, AUTOSOMAL RECESSIVE 84A; DEAFNESS, AUTOSOMAL RECESSIVE 84A, WITH VESTIBULAR DYSFUNCTION. Identifiers: Orphanet 90636, MedGen C3150654, MONDO:0013249, OMIM 613391.

gnomAD v4.1: 6 of 1,528,938 alleles (0.00039%); highest among the groups gnomAD compares: South Asian, 0.0077%; no homozygotes.

Submission:

Victorian Clinical Genetics Services, Murdoch Childrens Research Institute
Classification: Uncertain significance for Autosomal recessive nonsyndromic hearing loss 84A. Last evaluated: 2026-06-19. Review status: criteria provided, single submitter. Criteria: ACMG Guidelines, 2015. Collection method: clinical testing. Allele origin: germline. Affected: no.
Comment: This variant is classified as VUS-3A. Evidence in support of pathogenic classification: Canonical splice site variant without proven consequence on splicing (no functional evidence available); Variant is present in gnomAD <0.01 for a condition (v4: 6 heterozygote(s), 0 homozygote(s)); Abnormal splicing is predicted by in silico tool and affected nucleotide is highly conserved. Additional information: This variant is heterozygous; This gene is associated with both recessive and dominant disease. - Alternative nucleotide change(s) at the same canonical splice site are present in gnomAD (highest alelle count: v4: 2 heterozygote(s), 0 homozygote(s)); This variant has no previous evidence of pathogenicity; No published evidence of segregation with disease has been identified for this variant; No published functional evidence has been identified for this variant; No comparable canonical splice variants have previous evidence for pathogenicity; Loss of function is a known mechanism of disease in this gene and is associated with autosomal recessive deafness 84A (MIM#613391). Dominant-negative is the postulated mechanism for autosomal dominant deafness 73 (MIM#617663) (PMID: 31655630); Variants in this gene are known to have variable expressivity. Intra-familial variability has been reported (PMID: 31655630). - Inheritance information for this variant is not currently available in this individual.

Literature cited by the submitters: PubMed 31655630.

NM_001145026.2(PTPRQ):c.911-1G>C

Gene: PTPRQ (protein tyrosine phosphatase receptor type Q; plus strand). Cytogenetic location: 12q21.31.
Variant type: single nucleotide variant.
Coding change: c.911-1G>C on transcript NM_001145026.2 (MANE Select); the canonical splice acceptor site of the intron before coding-DNA position 911, G replaced by C.
Molecular consequence: splice acceptor variant.
Genome position (GRCh38, 1-based): chr12:80,468,709, G>C. VCF-style: chr12-80468709-G-C. GRCh37 (hg19) VCF-style: chr12-80862488-G-C.
Identifiers: ClinVar variation 4879574 (VCV004879574.1).